The following is an entry in ClinVar:

NM_004336.5(BUB1):c.598G>C (p.Ala200Pro)

Gene: BUB1 (BUB1 mitotic checkpoint serine/threonine kinase; minus strand). Cytogenetic location: 2q13.
Variant type: single nucleotide variant.
Coding change: c.598G>C on transcript NM_004336.5 (MANE Select); coding-DNA position 598, G replaced by C.
Protein change: p.Ala200Pro; replaces alanine 200 with proline.
Molecular consequence: missense variant.
Genome position (GRCh38, 1-based): chr2:110,667,819, C>G on the plus strand (G>C on the coding strand, the complement: BUB1 is on the minus strand). VCF-style: chr2-110667819-C-G. GRCh37 (hg19) VCF-style: chr2-111425396-C-G.
Other names: c.538G>C, p.Ala180Pro (NM_001278616.2); c.598G>C, p.Ala200Pro (NM_001278617.2); short protein forms A180P, A200P.
Identifiers: ClinVar variation 2451228 (VCV002451228.2), dbSNP rs2468028701, ClinGen allele CA348218213.

ClinVar aggregate classification (germline): Uncertain significance (1 of 4 stars; one submission).

Submission:

Ambry Genetics
Classification: Uncertain significance. Last evaluated: 2022-11-20. Review status: criteria provided, single submitter. Criteria: Ambry Variant Classification Scheme 2023. Collection method: clinical testing. Allele origin: germline.
Comment: The p.A200P variant (also known as c.598G>C), located in coding exon 7 of the BUB1 gene, results from a G to C substitution at nucleotide position 598. The alanine at codon 200 is replaced by proline, an amino acid with highly similar properties. This amino acid position is conserved. In addition, this alteration is predicted to be tolerated by in silico analysis. Since supporting evidence is limited at this time, the clinical significance of this alteration remains unclear.